The following is an entry in ClinVar:

ClinVar aggregate classification (germline): Likely pathogenic (1 of 4 stars; one submission).

Conditions:
Severe X-linked myotubular myopathy (CNMX). Also called: MYOTUBULAR MYOPATHY 1; Myotubular myopathy, X-linked; X-linked centronuclear myopathy. Identifiers: Orphanet 596, MedGen C0410203, MONDO:0010683, OMIM 310400.

Submission:

Myriad Genetics, Inc.
Classification: Likely pathogenic for Severe X-linked myotubular myopathy. Last evaluated: 2022-03-02. Review status: criteria provided, single submitter. Criteria: Myriad Women's Health Autosomal Recessive and X-Linked Classification Criteria (2021). Collection method: clinical testing. Allele origin: unknown.
Comment: NM_000252.2(MTM1):c.550A>T(R184*) is expected to be pathogenic in the context of X-linked myotubular myopathy. This variant is predicted to lead to an abnormal or absent protein product due to the creation of a premature termination codon in MTM1, a gene where loss-of-function variants are known to be pathogenic. Please note: this variant was assessed in the context of healthy population screening.

NM_000252.3(MTM1):c.550A>T (p.Arg184Ter)

Gene: MTM1 (myotubularin 1; plus strand). Cytogenetic location: Xq28.
Variant type: single nucleotide variant.
Coding change: c.550A>T on transcript NM_000252.3 (MANE Select); coding-DNA position 550, A replaced by T.
Protein change: p.Arg184Ter; replaces arginine 184 with a stop codon.
Molecular consequence: nonsense.
Genome position (GRCh38, 1-based): chrX:150,641,290, A>T. VCF-style: chrX-150641290-A-T. GRCh37 (hg19) VCF-style: chrX-149809763-A-T.
Other names: c.550A>T, p.Arg184Ter (NM_001376906.1, NM_001376908.1); c.439A>T, p.Arg147Ter (NM_001376907.1); short protein forms R147*, R184*.
Identifiers: ClinVar variation 1724890 (VCV001724890.2), dbSNP rs587783835, ClinGen allele CA415255991.